The following is an entry in ClinVar:

ClinVar aggregate classification (germline): Likely pathogenic (1 of 4 stars; one submission).

Conditions:
BBS12-related disorder. Also called: BBS12-related condition.

gnomAD v4.1: 1 of 1,604,782 alleles (0.000062%); highest among the groups gnomAD compares: East Asian, 0.0022%; no homozygotes.

Submission:

PreventionGenetics, part of Exact Sciences
Classification: Likely pathogenic for BBS12-related condition. Last evaluated: 2026-07-09. Review status: criteria provided, single submitter. Criteria: ACMG Guidelines, 2015. Collection method: clinical testing. Allele origin: germline.
Comment: The BBS12 c.2005A>G variant is predicted to result in the amino acid substitution p.Lys669Glu. To our knowledge, this variant has not been reported in the literature or in a large population database (gnomAD), indicating this variant is rare. This variant is interpreted as likely pathogenic.

NM_152618.3(BBS12):c.2005A>G (p.Lys669Glu)

Gene: BBS12 (Bardet-Biedl syndrome 12; plus strand). Cytogenetic location: 4q27.
Variant type: single nucleotide variant.
Coding change: c.2005A>G on transcript NM_152618.3 (MANE Select); coding-DNA position 2005, A replaced by G.
Protein change: p.Lys669Glu; replaces lysine 669 with glutamic acid.
Molecular consequence: missense variant.
Genome position (GRCh38, 1-based): chr4:122,743,897, A>G. VCF-style: chr4-122743897-A-G. GRCh37 (hg19) VCF-style: chr4-123665052-A-G.
Other names: c.2005A>G, p.Lys669Glu (NM_001178007.2); short protein forms K669E.
Identifiers: ClinVar variation 4991722 (VCV004991722.1).
Genomic context (GRCh38, chr4:122,743,897, plus strand): 5'-AATTCAGACATTTCAAATAAACTGGAGCAGATTCCGAGAGTTTATGACGTTGTTACACCA[A>G]AGATTGAGGCGTGGCGCCGAGCATTGGATTTAGTATTGTTAGTACTTCAGACAGACAGTG-3'
Protein context (NP_689831.2, residues 659-679): IPRVYDVVTP[Lys669Glu]IEAWRRALDL